The following is an entry in ClinVar:

ClinVar aggregate classification (germline): Uncertain significance (1 of 4 stars; one submission).

Conditions:
Majeed syndrome (MJDS). Also called: LPIN2-Related Majeed Syndrome; CHRONIC RECURRENT MULTIFOCAL OSTEOMYELITIS 1, WITH CONGENITAL DYSERYTHROPOIETIC ANEMIA, WITH OR WITHOUT NEUTROPHILIC DERMATOSIS. Identifiers: Orphanet 77297, MedGen C1864997, MONDO:0012316, OMIM 609628.

gnomAD v4.1: 9 of 1,614,188 alleles (0.00056%); highest among the groups gnomAD compares: Non-Finnish European, 0.00076%; no homozygotes.

Submission:

Labcorp Genetics (formerly Invitae), Labcorp
Classification: Uncertain significance for Majeed syndrome. Last evaluated: 2022-10-24. Review status: criteria provided, single submitter. Criteria: Invitae Variant Classification Sherloc (09022015). Collection method: clinical testing. Allele origin: germline.
Comment: In summary, the available evidence is currently insufficient to determine the role of this variant in disease. Therefore, it has been classified as a Variant of Uncertain Significance. Advanced modeling of protein sequence and biophysical properties (such as structural, functional, and spatial information, amino acid conservation, physicochemical variation, residue mobility, and thermodynamic stability) performed at Invitae indicates that this missense variant is expected to disrupt LPIN2 protein function. This variant has not been reported in the literature in individuals affected with LPIN2-related conditions. This variant is not present in population databases (gnomAD no frequency). This sequence change replaces glutamine, which is neutral and polar, with histidine, which is basic and polar, at codon 532 of the LPIN2 protein (p.Gln532His).

NM_001375808.2(LPIN2):c.1596A>C (p.Gln532His)

Gene: LPIN2 (lipin 2; minus strand). Cytogenetic location: 18p11.31.
Variant type: single nucleotide variant.
Coding change: c.1596A>C on transcript NM_001375808.2 (MANE Select); coding-DNA position 1596, A replaced by C.
Protein change: p.Gln532His; replaces glutamine 532 with histidine.
Molecular consequence: missense variant.
Genome position (GRCh38, 1-based): chr18:2,928,615, T>G on the plus strand (A>C on the coding strand, the complement: LPIN2 is on the minus strand). VCF-style: chr18-2928615-T-G. GRCh37 (hg19) VCF-style: chr18-2928613-T-G.
Other names: c.1596A>C, p.Gln532His (NM_001375809.1, NM_014646.2); short protein forms Q532H.
Identifiers: ClinVar variation 1985455 (VCV001985455.2), dbSNP rs144466862, ClinGen allele CA401703794.
Genomic context (GRCh38, chr18:2,928,615, plus strand): 5'-GCTTTCGGAAAGGCAGCAGATGGTGGATCGCCTCACCTTAGGCAAGCTCTTCTGGAATAC[T>G]TGCAAGCTAAGGATCATGGGAGCTGCCAAAGCCCAGTTATAGTAACTGTGAGAAACAAAA-3'
Protein context (NP_001362737.1, residues 522-542): ALAAPMILSL[Gln532His]VFQKSLPKAT